The following is an entry in ClinVar:

ClinVar aggregate classification (germline): Benign. Review status: criteria provided, multiple submitters, no conflicts (2 of 4 stars). 7 submissions from 7 submitters: Benign (6). 1 of the submissions does not count toward it. Last evaluated 2026-02-03.

Conditions:
CYB5R3 POLYMORPHISM.

Allele frequency attached by ClinVar (database versions not stated): gnomAD 0.08114; TOPMed 0.08708; 1000 Genomes Project 0.09265; 1000 Genomes Project 30x 0.09947.
gnomAD v4.1: 24,110 of 1,613,922 alleles (1.5%); highest among the groups gnomAD compares: African/African-American, 28%; 3,151 homozygotes.

Submissions (7):

Labcorp Genetics (formerly Invitae), Labcorp
Classification: Benign. Last evaluated: 2026-02-03. Review status: criteria provided, single submitter. Criteria: Invitae Variant Classification Sherloc (09022015). Collection method: clinical testing. Allele origin: germline.

ARUP Laboratories, Molecular Genetics and Genomics, ARUP Laboratories
Classification: Benign. Last evaluated: 2025-07-28. Review status: criteria provided, single submitter. Criteria: ARUP Molecular Germline Variant Investigation Process 2024. Collection method: clinical testing. Allele origin: germline.

Mayo Clinic Laboratories, Mayo Clinic
Classification: Benign. Last evaluated: 2024-03-14. Review status: criteria provided, single submitter. Criteria: ACMG Guidelines, 2015. Collection method: clinical testing. Allele origin: germline. Observed: 10 variant alleles.

GeneDx
Classification: Benign. Last evaluated: 2021-06-09. Review status: criteria provided, single submitter. Criteria: GeneDx Variant Classification Process June 2021. Collection method: clinical testing. Allele origin: germline. Affected: yes.
Comment: This variant is associated with the following publications: (PMID: 21085059)

Breakthrough Genomics
Classification: Benign. Review status: criteria provided, single submitter. Criteria: ACMG Guidelines, 2015. Collection method: not provided. Allele origin: germline. Inheritance: Autosomal recessive inheritance. Affected: yes.

PreventionGenetics, part of Exact Sciences
Classification: Benign. Review status: criteria provided, single submitter. Criteria: ACMG Guidelines, 2015. Collection method: clinical testing. Allele origin: germline.

OMIM
Classification: Benign for CYB5R3 POLYMORPHISM. Last evaluated: 2008-05-01. Review status: no assertion criteria provided. Collection method: literature only. Allele origin: germline. Not counted in ClinVar's aggregate classification.

Literature cited by the submitters: PubMed 18318771 (cited by OMIM); PubMed 9048929 (cited by OMIM).

NM_000398.7(CYB5R3):c.350C>G (p.Thr117Ser)

Gene: CYB5R3 (cytochrome b5 reductase 3; minus strand). Cytogenetic location: 22q13.2.
Variant type: single nucleotide variant.
Coding change: c.350C>G on transcript NM_000398.7 (MANE Select); coding-DNA position 350, C replaced by G.
Protein change: p.Thr117Ser; replaces threonine 117 with serine.
Molecular consequence: missense variant.
Genome position (GRCh38, 1-based): chr22:42,628,265, G>C on the plus strand (C>G on the coding strand, the complement: CYB5R3 is on the minus strand). VCF-style: chr22-42628265-G-C. GRCh37 (hg19) VCF-style: chr22-43024271-G-C.
Other names: c.281C>G, p.Thr94Ser (NM_001129819.2, NM_001171661.1, NM_007326.4); c.449C>G, p.Thr150Ser (NM_001171660.2); short protein forms T117S, T150S, T94S.
Identifiers: ClinVar variation 244 (VCV000000244.31), dbSNP rs1800457, ClinGen allele CA114081.
Genomic context (GRCh38, chr22:42,628,265, plus strand): 5'-CCAATCTGCATGCTCTCCAGGTACTGAGACATCTTCCCTCCAGCGGGAAACTTGGGATGG[G>C]TGTCCTTGAAGTAAACCTGCAAGACACCCCCGCAGCCCTCAGTCCCCAGCTCCAGGTCTC-3'
Protein context (NP_000389.1, residues 107-127): DLVIKVYFKD[Thr117Ser]HPKFPAGGKM